The following is an entry in ClinVar:

ClinVar aggregate classification (germline): Uncertain significance (1 of 4 stars; one submission).

Conditions:
Inborn genetic diseases. Identifiers: MedGen C0950123, MeSH D030342.

Submission:

Ambry Genetics
Classification: Uncertain significance for Inborn genetic diseases. Last evaluated: 2026-03-23. Review status: criteria provided, single submitter. Criteria: Ambry Variant Classification Scheme 2023. Collection method: clinical testing. Allele origin: germline.
Comment: The p.S520A variant (also known as c.1558T>G), located in coding exon 7 of the SH2B3 gene, results from a T to G substitution at nucleotide position 1558. The serine at codon 520 is replaced by alanine, an amino acid with similar properties. This amino acid position is conserved. In addition, this alteration is predicted to be tolerated by in silico analysis. Based on the available evidence, the clinical significance of this variant remains unclear.

NM_005475.3(SH2B3):c.1558T>G (p.Ser520Ala)

Gene: SH2B3 (SH2B adaptor protein 3; plus strand). Cytogenetic location: 12q24.12.
Variant type: single nucleotide variant.
Coding change: c.1558T>G on transcript NM_005475.3 (MANE Select); coding-DNA position 1558, T replaced by G.
Protein change: p.Ser520Ala; replaces serine 520 with alanine.
Molecular consequence: missense variant.
Genome position (GRCh38, 1-based): chr12:111,448,132, T>G. VCF-style: chr12-111448132-T-G. GRCh37 (hg19) VCF-style: chr12-111885936-T-G.
Other names: c.952T>G, p.Ser318Ala (NM_001291424.1); short protein forms S318A, S520A.
Identifiers: ClinVar variation 4864391 (VCV004864391.1).